The following is an entry in ClinVar:

NM_003919.3(SGCE):c.301C>A (p.Leu101Ile)

Genes: CASD1 (CAS1 domain sialic acid O acetyltransferase 1; plus strand), SGCE (sarcoglycan epsilon; minus strand). Cytogenetic location: 7q21.3.
Variant type: single nucleotide variant.
Coding change: c.301C>A on transcript NM_003919.3 (MANE Select); coding-DNA position 301, C replaced by A.
Protein change: p.Leu101Ile; replaces leucine 101 with isoleucine.
Molecular consequence: missense variant.
Genome position (GRCh38, 1-based): chr7:94,628,291, G>T on the plus strand (C>A on the coding strand, the complement: SGCE is on the minus strand). VCF-style: chr7-94628291-G-T. GRCh37 (hg19) VCF-style: chr7-94257603-G-T.
Other names: c.301C>A, p.Leu101Ile (NM_001099400.2, NM_001099401.2, NM_001346717.2); c.178C>A, p.Leu60Ile (NM_001301139.2, NM_001362809.2); c.409C>A, p.Leu137Ile (NM_001346713.2, NM_001346715.2); c.214C>A, p.Leu72Ile (NM_001346719.2, NM_001362807.2); c.28C>A, p.Leu10Ile (NM_001346720.2, NM_001362808.2); short protein forms L72I, L101I, L10I, L60I, L137I.
Identifiers: ClinVar variation 2793572 (VCV002793572.3), dbSNP rs2485169087, ClinGen allele CA368238248.

ClinVar aggregate classification (germline): Uncertain significance (1 of 4 stars; one submission).

Conditions:
Myoclonic dystonia 11 (DYT11). Also called: Myoclonic dystonia; Dystonia 11; Dystonia, alcohol responsive; Hereditary essential myoclonus; SGCE Myoclonus-Dystonia; Myoclonus-Dystonia. Identifiers: Orphanet 36899, MedGen C1834570, MONDO:0008044, OMIM 159900.

Submission:

Labcorp Genetics (formerly Invitae), Labcorp
Classification: Uncertain significance for Myoclonic dystonia 11. Last evaluated: 2023-03-22. Review status: criteria provided, single submitter. Criteria: Invitae Variant Classification Sherloc (09022015). Collection method: clinical testing. Allele origin: germline.
Comment: In summary, the available evidence is currently insufficient to determine the role of this variant in disease. Therefore, it has been classified as a Variant of Uncertain Significance. Advanced modeling of protein sequence and biophysical properties (such as structural, functional, and spatial information, amino acid conservation, physicochemical variation, residue mobility, and thermodynamic stability) performed at Invitae indicates that this missense variant is not expected to disrupt SGCE protein function. This variant has not been reported in the literature in individuals affected with SGCE-related conditions. This variant is not present in population databases (gnomAD no frequency). This sequence change replaces leucine, which is neutral and non-polar, with isoleucine, which is neutral and non-polar, at codon 101 of the SGCE protein (p.Leu101Ile).